The following is an entry in ClinVar:

NM_001145809.2(MYH14):c.3838T>C (p.Trp1280Arg)

Gene: MYH14 (myosin heavy chain 14; plus strand). Cytogenetic location: 19q13.33.
Variant type: single nucleotide variant.
Coding change: c.3838T>C on transcript NM_001145809.2 (MANE Select); coding-DNA position 3838, T replaced by C.
Protein change: p.Trp1280Arg; replaces tryptophan 1280 with arginine.
Molecular consequence: missense variant.
Genome position (GRCh38, 1-based): chr19:50,278,095, T>C. VCF-style: chr19-50278095-T-C. GRCh37 (hg19) VCF-style: chr19-50781352-T-C.
Other names: c.3739T>C, p.Trp1247Arg (NM_001077186.2); c.3715T>C, p.Trp1239Arg (NM_024729.4); c.3715T>C (NM_024729.3); short protein forms W1239R, W1247R, W1280R.
Identifiers: ClinVar variation 3337349 (VCV003337349.3).

ClinVar aggregate classification (germline): Uncertain significance. Review status: criteria provided, multiple submitters, no conflicts (2 of 4 stars). 3 submissions from 3 submitters: Uncertain significance (3). Last evaluated 2026-03-31.

Conditions:
Inborn genetic diseases. Identifiers: MedGen C0950123, MeSH D030342.

gnomAD v4.1: 29 of 1,585,458 alleles (0.0018%); highest among the groups gnomAD compares: Non-Finnish European, 0.0025%; no homozygotes.

Submissions (3):

Women's Health and Genetics/Laboratory Corporation of America, LabCorp
Classification: Uncertain significance. Last evaluated: 2026-03-31. Review status: criteria provided, single submitter. Criteria: LabCorp Variant Classification Summary - May 2015. Collection method: clinical testing. Allele origin: germline.
Comment: Variant summary: MYH14 c.3715T>C (p.Trp1239Arg) results in a non-conservative amino acid change in the encoded protein sequence. Algorithms developed to predict the effect of missense changes on protein structure and function are either unavailable or do not agree on the potential impact of this missense change. The variant allele was found at a frequency of 4.2e-05 in 236064 control chromosomes. The available frequency data are insufficient to make conclusions about the variant at this time. To our knowledge, no occurrence of c.3715T>C in individuals affected with MYH14-related conditions and no experimental evidence demonstrating its impact on protein function have been reported. ClinVar contains an entry for this variant (Variation ID: 3337349). Based on the evidence outlined above, the variant was classified as VUS-possibly benign.

Ambry Genetics
Classification: Uncertain significance for Inborn genetic diseases. Last evaluated: 2024-08-20. Review status: criteria provided, single submitter. Criteria: Ambry Variant Classification Scheme 2023. Collection method: clinical testing. Allele origin: germline.

Clinical Genetics Laboratory, Skane University Hospital Lund
Classification: Uncertain significance. Last evaluated: 2022-05-27. Review status: criteria provided, single submitter. Criteria: ACMG Guidelines, 2015. Collection method: clinical testing. Allele origin: germline. Affected: yes.